The following is an entry in ClinVar:

NM_000321.3(RB1):c.131_132del (p.Leu44fs)

Gene: RB1 (RB transcriptional corepressor 1; plus strand). Cytogenetic location: 13q14.2.
Variant type: Microsatellite.
Coding change: c.131_132del on transcript NM_000321.3 (MANE Select); coding-DNA positions 131 to 132, 2 bases deleted (TC; older notation c.131_132delTC).
Protein change: p.Leu44fs; shifts the reading frame from leucine 44.
Molecular consequence: frameshift variant.
Genome position (GRCh38, 1-based): chr13:48,304,043-48,304,044, TC deleted; deleting any 2 consecutive bases within chr13:48,304,040-48,304,044 gives the same sequence; the c. name uses the placement nearest the transcript's 3' end. VCF-style (leftmost placement, unchanged base first): chr13-48304039-CCT-C. GRCh37 (hg19) VCF-style: chr13-48878175-CCT-C.
Other names: c.129_130TC[1], p.Leu44Argfs (NM_001407165.1, NM_001407166.1, NM_001407167.1); short protein forms L44fs.
Identifiers: ClinVar variation 1999634 (VCV001999634.4), dbSNP rs2542094495, ClinGen allele CA2580614816.

ClinVar aggregate classification (germline): Pathogenic (1 of 4 stars; one submission).

Conditions:
Retinoblastoma (RB1). Also called: RETINOBLASTOMA, SOMATIC. Identifiers: Orphanet 790, MedGen C0035335, MeSH D012175, MONDO:0008380, OMIM 180200, HP:0009919. Disease mechanism: loss of function. Inheritance: Both sporadic and heritable forms are tested..

Submission:

Labcorp Genetics (formerly Invitae), Labcorp
Classification: Pathogenic for Retinoblastoma. Last evaluated: 2022-05-27. Review status: criteria provided, single submitter. Criteria: Invitae Variant Classification Sherloc (09022015). Collection method: clinical testing. Allele origin: germline.
Comment: This sequence change creates a premature translational stop signal (p.Leu44Argfs*4) in the RB1 gene. It is expected to result in an absent or disrupted protein product. Loss-of-function variants in RB1 are known to be pathogenic (PMID: 17096365). This variant is not present in population databases (gnomAD no frequency). This variant has not been reported in the literature in individuals affected with RB1-related conditions. For these reasons, this variant has been classified as Pathogenic.

Literature cited by the submitters: PubMed 17096365.